The following is an entry in ClinVar:

NM_001172690.2(ZNF573):c.1392C>T (p.His464=)

Gene: ZNF573 (zinc finger protein 573; minus strand). Cytogenetic location: 19q13.12.
Variant type: single nucleotide variant.
Coding change: c.1392C>T on transcript NM_001172690.2 (MANE Select); coding-DNA position 1392, C replaced by T.
Protein change: p.His464=; no amino-acid change (histidine 464 retained).
Molecular consequence: synonymous variant.
Genome position (GRCh38, 1-based): chr19:37,739,098, G>A on the plus strand (C>T on the coding strand, the complement: ZNF573 is on the minus strand). VCF-style: chr19-37739098-G-A. GRCh37 (hg19) VCF-style: chr19-38229999-G-A.
Other names: c.1128C>T, p.His376= (NM_001172689.2, NM_001172692.2); c.1386C>T, p.His462= (NM_001172691.2); c.1218C>T, p.His406= (NM_152360.4).
Identifiers: ClinVar variation 2649775 (VCV002649775.24), dbSNP rs774509315, ClinGen allele CA9408049.
Genomic context (GRCh38, chr19:37,739,098, plus strand): 5'-GTTTGAGCCAGTACTATAGGCCTTCCCACATTCCTGACATTCAAAAAGTTTCTTACCAGT[G>A]TGAATATTCTGATGTCGAGTAAGATTTCTATACAAAGTAAAGGTTTTTTTACACTCCTTA-3'
Protein context (NP_001166161.1, residues 454-474): YRNLTRHQNI[His464=]TGKKLFECQE

ClinVar aggregate classification (germline): Likely benign (1 of 4 stars; one submission).

Allele frequency attached by ClinVar (database versions not stated): gnomAD 0.00005; gnomAD exomes 0.00008; ExAC 0.00015.
gnomAD v4.1: 116 of 1,613,196 alleles (0.0072%); highest among the groups gnomAD compares: Non-Finnish European, 0.0097%; no homozygotes.

Submission:

CeGaT Center for Human Genetics Tuebingen
Classification: Likely benign. Last evaluated: 2026-01-01. Review status: criteria provided, single submitter. Criteria: CeGaT Center For Human Genetics Tuebingen Variant Classification Criteria Version 2. Collection method: clinical testing. Allele origin: germline. Affected: yes. Observed: 2 variant alleles.
Comment: ZNF573: BP4, BP7